The following is an entry in ClinVar:

NM_006361.6(HOXB13):c.708G>T (p.Ala236=)

Gene: HOXB13 (homeobox B13; minus strand). Cytogenetic location: 17q21.32.
Variant type: single nucleotide variant.
Coding change: c.708G>T on transcript NM_006361.6 (MANE Select); coding-DNA position 708, G replaced by T.
Protein change: p.Ala236=; no amino-acid change (alanine 236 retained).
Molecular consequence: synonymous variant.
Genome position (GRCh38, 1-based): chr17:48,726,937, C>A on the plus strand (G>T on the coding strand, the complement: HOXB13 is on the minus strand). VCF-style: chr17-48726937-C-A. GRCh37 (hg19) VCF-style: chr17-46804299-C-A.
Identifiers: ClinVar variation 2899606 (VCV002899606.4), dbSNP rs555201890, ClinGen allele CA500500886.

ClinVar aggregate classification (germline): Benign/Likely benign. Review status: criteria provided, multiple submitters, no conflicts (2 of 4 stars). 2 submissions from 2 submitters: Benign (1); Likely benign (1). Last evaluated 2024-10-30.

Conditions:
Prostate cancer, hereditary, 9 (HPC9). Identifiers: Orphanet 1331, MedGen C1970250, MONDO:0012597, OMIM 610997.

gnomAD v4.1: 6 of 1,613,904 alleles (0.00037%); highest among the groups gnomAD compares: Non-Finnish European, 0.00051%; no homozygotes.

Submissions (2):

Myriad Genetics, Inc.
Classification: Benign for Prostate cancer, hereditary, 9. Last evaluated: 2024-10-30. Review status: criteria provided, single submitter. Criteria: Myriad Autosomal Dominant, Autosomal Recessive and X-Linked Classification Criteria (2023). Collection method: clinical testing. Allele origin: unknown.
Comment: This variant is considered benign. This variant is a silent/synonymous amino acid change and it is not expected to impact splicing.

Labcorp Genetics (formerly Invitae), Labcorp
Classification: Likely benign. Last evaluated: 2024-09-10. Review status: criteria provided, single submitter. Criteria: Invitae Variant Classification Sherloc (09022015). Collection method: clinical testing. Allele origin: germline.